The following is an entry in ClinVar:

NM_144991.3(TSPEAR):c.1466T>C (p.Phe489Ser)

Gene: TSPEAR (thrombospondin type laminin G domain and EAR repeats; minus strand). Cytogenetic location: 21q22.3.
Variant type: single nucleotide variant.
Coding change: c.1466T>C on transcript NM_144991.3 (MANE Select); coding-DNA position 1466, T replaced by C.
Protein change: p.Phe489Ser; replaces phenylalanine 489 with serine.
Molecular consequence: missense variant.
Genome position (GRCh38, 1-based): chr21:44,521,983, A>G on the plus strand (T>C on the coding strand, the complement: TSPEAR is on the minus strand). VCF-style: chr21-44521983-A-G. GRCh37 (hg19) VCF-style: chr21-45941866-A-G.
Other names: c.1262T>C, p.Phe421Ser (NM_001272037.2); short protein forms F421S, F489S.
Identifiers: ClinVar variation 2430475 (VCV002430475.2), dbSNP rs782681112, ClinGen allele CA10056566.

ClinVar aggregate classification (germline): Uncertain significance (1 of 4 stars; one submission).

Allele frequency attached by ClinVar (database versions not stated): gnomAD 0.00001; ExAC 0.00001.
gnomAD v4.1: 5 of 1,613,896 alleles (0.00031%); highest among the groups gnomAD compares: African/African-American, 0.0027%; no homozygotes.

Submission:

GeneDx
Classification: Uncertain significance. Last evaluated: 2024-06-13. Review status: criteria provided, single submitter. Criteria: GeneDx Variant Classification Process June 2021. Collection method: clinical testing. Allele origin: germline.
Comment: Not observed at significant frequency in large population cohorts (gnomAD); In silico analysis supports that this missense variant has a deleterious effect on protein structure/function; Has not been previously published as pathogenic or benign to our knowledge